The following is an entry in ClinVar:

NM_002473.6(MYH9):c.2339C>G (p.Thr780Ser)

Gene: MYH9 (myosin heavy chain 9; minus strand). Cytogenetic location: 22q12.3.
Variant type: single nucleotide variant.
Coding change: c.2339C>G on transcript NM_002473.6 (MANE Select); coding-DNA position 2339, C replaced by G.
Protein change: p.Thr780Ser; replaces threonine 780 with serine.
Molecular consequence: missense variant.
Genome position (GRCh38, 1-based): chr22:36,304,046, G>C on the plus strand (C>G on the coding strand, the complement: MYH9 is on the minus strand). VCF-style: chr22-36304046-G-C. GRCh37 (hg19) VCF-style: chr22-36700092-G-C.
Other names: p.Thr780Ser; short protein forms T780S.
Identifiers: ClinVar variation 3587994 (VCV003587994.2).
Genomic context (GRCh38, chr22:36,304,046, plus strand): 5'-GGGACTCACTTCCTGGCCAGGTAGCCCCTGCAGCAGGCCTGGAACCCTATGATGACGTCG[G>C]TGATCTTCAGGTCTCGCTCCTCCTCCAGGTGGGCCAGCACACCGGCACGGAAGAAGACTT-3'
Protein context (NP_002464.1, residues 770-790): HLEEERDLKI[Thr780Ser]DVIIGFQACC

ClinVar aggregate classification (germline): Uncertain significance. Review status: criteria provided, multiple submitters, no conflicts (2 of 4 stars). 2 submissions from 2 submitters: Uncertain significance (2). Last evaluated 2025-06-05.

Conditions:
Macrothrombocytopenia and granulocyte inclusions with or without nephritis or sensorineural hearing loss (MATINS). Also called: SEBASTIAN PLATELET SYNDROME; MACROTHROMBOCYTOPENIA WITH DISPERSED LEUKOCYTIC INCLUSIONS; MACROTHROMBOCYTOPENIA, NEPHRITIS, AND DEAFNESS; MACROTHROMBOCYTOPENIA, NEPHRITIS, DEAFNESS, AND LEUKOCYTE INCLUSIONS; ALPORT SYNDROME WITH MACROTHROMBOCYTOPENIA; Fechtner syndrome. Identifiers: Orphanet 182050, MedGen C5200934, MONDO:0015912, OMIM 155100.
Autosomal dominant nonsyndromic hearing loss 17. Also called: Deafness, autosomal dominant 17; Autosomal dominant nonsyndromic deafness 17. Identifiers: Orphanet 90635, MedGen C1863659, MONDO:0011350, OMIM 603622.

gnomAD v4.1: 1 of 1,613,698 alleles (0.000062%); highest among the groups gnomAD compares: African/African-American, 0.0013%; no homozygotes.

Submissions (2):

Mayo Clinic Laboratories, Mayo Clinic
Classification: Uncertain significance. Last evaluated: 2025-06-05. Review status: criteria provided, single submitter. Criteria: ACMG Guidelines, 2015. Collection method: clinical testing. Allele origin: germline. Observed: 1 variant allele.
Comment: PM2_supporting

Fulgent Genetics
Classification: Uncertain significance for Macrothrombocytopenia and granulocyte inclusions with or without nephritis or sensorineural hearing loss; Autosomal dominant nonsyndromic hearing loss 17. Last evaluated: 2024-03-20. Review status: criteria provided, single submitter. Criteria: ACMG Guidelines, 2015. Collection method: clinical testing. Allele origin: germline.